The following is an entry in ClinVar:

NM_172351.3(CD46):c.413T>G (p.Ile138Ser)

Gene: CD46 (CD46 molecule; plus strand). Cytogenetic location: 1q32.2.
Variant type: single nucleotide variant.
Coding change: c.413T>G on transcript NM_172351.3 (MANE Select); coding-DNA position 413, T replaced by G.
Protein change: p.Ile138Ser; replaces isoleucine 138 with serine.
Molecular consequence: missense variant.
Genome position (GRCh38, 1-based): chr1:207,759,662, T>G. VCF-style: chr1-207759662-T-G. GRCh37 (hg19) VCF-style: chr1-207933007-T-G.
Other names: c.413T>G, p.Ile138Ser (NM_002389.4, NM_153826.4, NM_172350.3 and 8 more transcripts); short protein forms I138S.
Identifiers: ClinVar variation 4291271 (VCV004291271.1).

ClinVar aggregate classification (germline): Uncertain significance (1 of 4 stars; one submission).

Conditions:
Atypical hemolytic-uremic syndrome. Identifiers: Orphanet 2134, MedGen C2931788, MONDO:0016244.

Submission:

Genomenon, Inc
Classification: Uncertain significance for Atypical hemolytic-uremic syndrome. Last evaluated: 2025-10-02. Review status: criteria provided, single submitter. Criteria: Genomenon Sequence Variant Interpretation Standards. Collection method: curation. Allele origin: germline. Affected: no.
Comment: CD46 p.Ile138Ser (c.413T>G) is a missense variant that changes the amino acid at residue 138 from Isoleucine to Serine. This variant has been reported in the published literature (PMID:16014961;11093164). It is absent or not present at a significant frequency in gnomAD. In silico models agree that this variant is not damaging. In conclusion, we classify CD46 p.Ile138Ser (c.413T>G) as a variant of uncertain significance.

Literature cited by the submitters: PubMed 16014961; PubMed 11093164.